The following is an entry in ClinVar:

ClinVar aggregate classification (germline): Likely benign. Review status: criteria provided, multiple submitters, no conflicts (2 of 4 stars). 5 submissions from 5 submitters: Likely benign (4). 1 of the submissions does not count toward it. Last evaluated 2026-01-28.

Conditions:
FANCD2-related disorder. Also called: FANCD2-related condition.
Fanconi anemia complementation group D2. Also called: FANCD2-Related Fanconi Anemia; FANCONI PANCYTOPENIA, TYPE 4; FANCONI ANEMIA, COMPLEMENTATION GROUP D. Identifiers: Orphanet 84, MedGen C3160738, MONDO:0009214, OMIM 227646.
Fanconi anemia (FA). Also called: Fanconi's anemia. Identifiers: Orphanet 84, MedGen C0015625, MeSH D005199, MONDO:0019391.

Allele frequency attached by ClinVar (database versions not stated): gnomAD exomes 0.00010; TOPMed 0.00005; gnomAD 0.00009 and 0.00008; ESP Exome Variant Server 0.00023; ExAC 0.00009.
gnomAD v4.1: 242 of 1,613,896 alleles (0.015%); highest among the groups gnomAD compares: Non-Finnish European, 0.02%; no homozygotes.

Submissions (5):

Labcorp Genetics (formerly Invitae), Labcorp
Classification: Likely benign for Fanconi anemia. Last evaluated: 2026-01-28. Review status: criteria provided, single submitter. Criteria: Invitae Variant Classification Sherloc (09022015). Collection method: clinical testing. Allele origin: germline.

CeGaT Center for Human Genetics Tuebingen
Classification: Likely benign. Last evaluated: 2024-01-01. Review status: criteria provided, single submitter. Criteria: CeGaT Center For Human Genetics Tuebingen Variant Classification Criteria Version 2. Collection method: clinical testing. Allele origin: germline. Affected: yes. Observed: 1 variant allele.
Comment: FANCD2: BP4, BP7

Blueprint Genetics
Classification: Likely benign. Last evaluated: 2022-09-26. Review status: criteria provided, single submitter. Criteria: ACMG Guidelines, 2015. Collection method: clinical testing. Allele origin: germline.

Fulgent Genetics
Classification: Likely benign for Fanconi anemia complementation group D2. Last evaluated: 2021-08-09. Review status: criteria provided, single submitter. Criteria: ACMG Guidelines, 2015. Collection method: clinical testing. Allele origin: unknown.

PreventionGenetics, part of Exact Sciences
Classification: Likely benign for FANCD2-related condition. Last evaluated: 2021-01-19. Review status: no assertion criteria provided. Collection method: clinical testing. Allele origin: germline. Not counted in ClinVar's aggregate classification.
Comment: This variant is classified as likely benign based on ACMG/AMP sequence variant interpretation guidelines (Richards et al. 2015 PMID: 25741868, with internal and published modifications).

NM_001018115.3(FANCD2):c.3165C>T (p.Tyr1055=)

Genes: FANCD2 (FA complementation group D2; plus strand), FANCD2OS (FANCD2 opposite strand; minus strand). Cytogenetic location: 3p25.3.
Variant type: single nucleotide variant.
Coding change: c.3165C>T on transcript NM_001018115.3 (MANE Select); coding-DNA position 3165, C replaced by T.
Protein change: p.Tyr1055=; no amino-acid change (tyrosine 1055 retained).
Molecular consequence: synonymous variant. On other transcripts: 3 prime UTR variant (1).
Genome position (GRCh38, 1-based): chr3:10,081,405, C>T. VCF-style: chr3-10081405-C-T. GRCh37 (hg19) VCF-style: chr3-10123089-C-T.
Other names: c.*170G>A (NM_173472.2); c.3165C>T, p.Tyr1055= (NM_001319984.2, NM_001374254.1, NM_033084.6); c.3054C>T, p.Tyr1018= (NM_001374253.1).
Identifiers: ClinVar variation 456355 (VCV000456355.32), dbSNP rs375929975, ClinGen allele CA2250294.